The following is an entry in ClinVar:

ClinVar aggregate classification (germline): Uncertain significance (1 of 4 stars; one submission).

Conditions:
Gorlin syndrome. Also called: Nevoid Basal Cell Carcinoma Syndrome; Basal cell nevus syndrome. Identifiers: Orphanet 377, MedGen C0004779, MONDO:0007187.

gnomAD v4.1: 3 of 1,614,174 alleles (0.00019%); highest among the groups gnomAD compares: Admixed American, 0.0033%; no homozygotes.

Submission:

Labcorp Genetics (formerly Invitae), Labcorp
Classification: Uncertain significance for Gorlin syndrome. Last evaluated: 2025-07-23. Review status: criteria provided, single submitter. Criteria: Invitae Variant Classification Sherloc (09022015). Collection method: clinical testing. Allele origin: germline.
Comment: This sequence change replaces alanine, which is neutral and non-polar, with serine, which is neutral and polar, at codon 541 of the PTCH2 protein (p.Ala541Ser). This variant is present in population databases (no rsID available, gnomAD 0.003%). This variant has not been reported in the literature in individuals affected with PTCH2-related conditions. ClinVar contains an entry for this variant (Variation ID: 1409327). Invitae Evidence Modeling of protein sequence and biophysical properties (such as structural, functional, and spatial information, amino acid conservation, physicochemical variation, residue mobility, and thermodynamic stability) indicates that this missense variant is not expected to disrupt PTCH2 protein function with a negative predictive value of 80%. In summary, the available evidence is currently insufficient to determine the role of this variant in disease. Therefore, it has been classified as a Variant of Uncertain Significance.

NM_003738.5(PTCH2):c.1621G>T (p.Ala541Ser)

Gene: PTCH2 (patched 2; minus strand). Cytogenetic location: 1p34.1.
Variant type: single nucleotide variant.
Coding change: c.1621G>T on transcript NM_003738.5 (MANE Select); coding-DNA position 1621, G replaced by T.
Protein change: p.Ala541Ser; replaces alanine 541 with serine.
Molecular consequence: missense variant.
Genome position (GRCh38, 1-based): chr1:44,828,384, C>A on the plus strand (G>T on the coding strand, the complement: PTCH2 is on the minus strand). VCF-style: chr1-44828384-C-A. GRCh37 (hg19) VCF-style: chr1-45294056-C-A.
Other names: c.1621G>T, p.Ala541Ser (NM_001166292.2); short protein forms A541S.
Identifiers: ClinVar variation 1409327 (VCV001409327.6), dbSNP rs778833779, ClinGen allele CA21745713.